The following is an entry in ClinVar:

NM_000393.5(COL5A2):c.2587C>A (p.Pro863Thr)

Gene: COL5A2 (collagen type V alpha 2 chain; minus strand). Cytogenetic location: 2q32.2.
Variant type: single nucleotide variant.
Coding change: c.2587C>A on transcript NM_000393.5 (MANE Select); coding-DNA position 2587, C replaced by A.
Protein change: p.Pro863Thr; replaces proline 863 with threonine.
Molecular consequence: missense variant.
Genome position (GRCh38, 1-based): chr2:189,052,985, G>T on the plus strand (C>A on the coding strand, the complement: COL5A2 is on the minus strand). VCF-style: chr2-189052985-G-T. GRCh37 (hg19) VCF-style: chr2-189917711-G-T.
Other names: short protein forms P863T.
Identifiers: ClinVar variation 2837639 (VCV002837639.3), dbSNP rs1380175503, ClinGen allele CA349871249.
Genomic context (GRCh38, chr2:189,052,985, plus strand): 5'-ATCCTGCTAAACCTTGTGGTCCAGGAGAACCAGCATCTCCCTTCTGTCCTGGCTCTCCAG[G>T]TTCACCTTTTACTCCAGGCTGTCCGTCAGGACCCTATAAAAAATTATACAAACAAGCAAT-3'
Protein context (NP_000384.2, residues 853-873): PDGQPGVKGE[Pro863Thr]GEPGQKGDAG

ClinVar aggregate classification (germline): Uncertain significance (1 of 4 stars; one submission).

Conditions:
Ehlers-Danlos syndrome, classic type, 1 (EDSCL1). Also called: EHLERS-DANLOS SYNDROME, GRAVIS TYPE; EHLERS-DANLOS SYNDROME, SEVERE CLASSIC TYPE; Ehlers-Danlos syndrome, type 1; Ehlers-Danlos Syndrome, Classic Type, COL5A1-Related; EDS I. Identifiers: MedGen C0268335, MONDO:0019567, OMIM 130000.

Submission:

Labcorp Genetics (formerly Invitae), Labcorp
Classification: Uncertain significance for Ehlers-Danlos syndrome, classic type, 1. Last evaluated: 2023-04-04. Review status: criteria provided, single submitter. Criteria: Invitae Variant Classification Sherloc (09022015). Collection method: clinical testing. Allele origin: germline.
Comment: This sequence change replaces proline, which is neutral and non-polar, with threonine, which is neutral and polar, at codon 863 of the COL5A2 protein (p.Pro863Thr). This variant is not present in population databases (gnomAD no frequency). This variant has not been reported in the literature in individuals affected with COL5A2-related conditions. Advanced modeling of protein sequence and biophysical properties (such as structural, functional, and spatial information, amino acid conservation, physicochemical variation, residue mobility, and thermodynamic stability) performed at Invitae indicates that this missense variant is not expected to disrupt COL5A2 protein function. In summary, the available evidence is currently insufficient to determine the role of this variant in disease. Therefore, it has been classified as a Variant of Uncertain Significance.